The following is an entry in ClinVar:

ClinVar aggregate classification (germline): Conflicting classifications of pathogenicity. Review status: criteria provided, conflicting classifications (1 of 4 stars). 2 submissions from 2 submitters: Uncertain significance (1); Likely benign (1). Last evaluated 2026-06-01.

Conditions:
Inborn genetic diseases. Identifiers: MedGen C0950123, MeSH D030342.

Allele frequency attached by ClinVar (database versions not stated): TOPMed 0.00002.
gnomAD v4.1: 4 of 1,614,178 alleles (0.00025%); highest among the groups gnomAD compares: Admixed American, 0.0067%; no homozygotes.

Submissions (2):

CeGaT Center for Human Genetics Tuebingen
Classification: Likely benign. Last evaluated: 2026-06-01. Review status: criteria provided, single submitter. Criteria: CeGaT Center For Human Genetics Tuebingen Variant Classification Criteria Version 2. Collection method: clinical testing. Allele origin: germline. Affected: yes. Observed: 1 variant allele.
Comment: MAP1B: BP4

Ambry Genetics
Classification: Uncertain significance for Inborn genetic diseases. Last evaluated: 2021-11-09. Review status: criteria provided, single submitter. Criteria: Ambry Variant Classification Scheme 2023. Collection method: clinical testing. Allele origin: germline.

NM_005909.5(MAP1B):c.3752T>A (p.Val1251Asp)

Gene: MAP1B (microtubule associated protein 1B; plus strand). Cytogenetic location: 5q13.2.
Variant type: single nucleotide variant.
Coding change: c.3752T>A on transcript NM_005909.5 (MANE Select); coding-DNA position 3752, T replaced by A.
Protein change: p.Val1251Asp; replaces valine 1251 with aspartic acid.
Molecular consequence: missense variant.
Genome position (GRCh38, 1-based): chr5:72,197,107, T>A. VCF-style: chr5-72197107-T-A. GRCh37 (hg19) VCF-style: chr5-71492934-T-A.
Other names: c.3374T>A, p.Val1125Asp (NM_001324255.2); short protein forms V1251D, V1125D.
Identifiers: ClinVar variation 2410108 (VCV002410108.4), dbSNP rs1293914371, ClinGen allele CA360013118.